The following is an entry in ClinVar:

NM_000260.4(MYO7A):c.4909_4914del (p.His1637_Asp1638del)

Gene: MYO7A (myosin VIIA; plus strand). Cytogenetic location: 11q13.5.
Variant type: Deletion.
Coding change: c.4909_4914del on transcript NM_000260.4 (MANE Select); coding-DNA positions 4909 to 4914, 6 bases deleted (CATGAC; older notation c.4909_4914delCATGAC).
Protein change: p.His1637_Asp1638del.
Molecular consequence: inframe deletion.
Genome position (GRCh38, 1-based): chr11:77,201,504-77,201,509, CATGAC deleted; deleting any 6 consecutive bases within chr11:77,201,501-77,201,509 gives the same sequence; the c. name uses the placement nearest the transcript's 3' end. VCF-style (leftmost placement, unchanged base first): chr11-77201500-GGACCAT-G. GRCh37 (hg19) VCF-style: chr11-76912545-GGACCAT-G.
Other names: c.4795_4800del, p.His1599_Asp1600del (NM_001127180.2); c.4762_4767del, p.His1588_Asp1589del (NM_001369365.1).
Identifiers: ClinVar variation 958125 (VCV000958125.9), dbSNP rs1957059155, ClinGen allele CA1139662092.

ClinVar aggregate classification (germline): Uncertain significance (1 of 4 stars; one submission).

Submission:

Labcorp Genetics (formerly Invitae), Labcorp
Classification: Uncertain significance. Last evaluated: 2022-02-24. Review status: criteria provided, single submitter. Criteria: Invitae Variant Classification Sherloc (09022015). Collection method: clinical testing. Allele origin: germline.
Comment: Experimental studies and prediction algorithms are not available or were not evaluated, and the functional significance of this variant is currently unknown. ClinVar contains an entry for this variant (Variation ID: 958125). This variant has not been reported in the literature in individuals affected with MYO7A-related conditions. This variant is not present in population databases (gnomAD no frequency). This variant, c.4909_4914del, results in the deletion of 2 amino acid(s) of the MYO7A protein (p.His1637_Asp1638del), but otherwise preserves the integrity of the reading frame. In summary, the available evidence is currently insufficient to determine the role of this variant in disease. Therefore, it has been classified as a Variant of Uncertain Significance.